The following is an entry in ClinVar:

NM_001164508.2(NEB):c.13368+1G>A

Gene: NEB (nebulin; minus strand). Cytogenetic location: 2q23.3.
Variant type: single nucleotide variant.
Coding change: c.13368+1G>A on transcript NM_001164508.2 (MANE Select); the canonical splice donor site of the intron after coding-DNA position 13368, G replaced by A.
Molecular consequence: splice donor variant. On other transcripts: intron variant (1).
Genome position (GRCh38, 1-based): chr2:151,602,586, C>T on the plus strand (G>A on the coding strand, the complement: NEB is on the minus strand). VCF-style: chr2-151602586-C-T. GRCh37 (hg19) VCF-style: chr2-152459100-C-T.
Other names: c.11601+7223G>A (NM_004543.5); c.13368+1G>A (NM_001164507.2, NM_001271208.2).
Identifiers: ClinVar variation 2731901 (VCV002731901.3), dbSNP rs2552220942, ClinGen allele CA348771169.

ClinVar aggregate classification (germline): Likely pathogenic (1 of 4 stars; one submission).

Conditions:
Nemaline myopathy 2 (NEM2). Also called: Nemaline myopathy 2, autosomal recessive. Identifiers: MedGen C1850569, MONDO:0009725, OMIM 256030.

Submission:

Labcorp Genetics (formerly Invitae), Labcorp
Classification: Likely pathogenic for Nemaline myopathy 2. Last evaluated: 2023-07-16. Review status: criteria provided, single submitter. Criteria: Invitae Variant Classification Sherloc (09022015). Collection method: clinical testing. Allele origin: germline.
Comment: In summary, the currently available evidence indicates that the variant is pathogenic, but additional data are needed to prove that conclusively. Therefore, this variant has been classified as Likely Pathogenic. Experimental studies and prediction algorithms are not available or were not evaluated, and the effect of this variant on mRNA splicing is currently unknown. This variant has not been reported in the literature in individuals affected with NEB-related conditions. The frequency data for this variant in the population databases (gnomAD) is considered unreliable due to the presence of homologous sequence, such as pseudogenes or paralogs, in the genome. This sequence change affects a donor splice site in intron 87 of the NEB gene. It is expected to disrupt RNA splicing. Variants that disrupt the donor or acceptor splice site typically lead to a loss of protein function (PMID: 16199547), and loss-of-function variants in NEB are known to be pathogenic (PMID: 25205138). This variant occurs in a region of NEB (Exons 82-105) consisting of three highly homologous 8-exon repeat units (exons 82-89, exons 90-97, exons 98-105). Sequence variants in this region can be detected, but this assay cannot determine which of the three repeat units is affected, and zygosity is often ambiguous. All variants in this region are reported relative to the exon 82-89 repeat.

Literature cited by the submitters: PubMed 16199547; PubMed 25205138.